The following is an entry in ClinVar:

NM_001042432.2(CLN3):c.253A>C (p.Asn85His)

Gene: CLN3 (CLN3 lysosomal/endosomal transmembrane protein, battenin; minus strand). Cytogenetic location: 16p12.1.
Variant type: single nucleotide variant.
Coding change: c.253A>C on transcript NM_001042432.2 (MANE Select); coding-DNA position 253, A replaced by C.
Protein change: p.Asn85His; replaces asparagine 85 with histidine.
Molecular consequence: missense variant. On other transcripts: synonymous variant (1), intron variant (2).
Genome position (GRCh38, 1-based): chr16:28,488,632, T>G on the plus strand (A>C on the coding strand, the complement: CLN3 is on the minus strand). VCF-style: chr16-28488632-T-G. GRCh37 (hg19) VCF-style: chr16-28499953-T-G.
Other names: c.253A>C, p.Asn85His (NM_000086.2); c.33A>C, p.Thr11= (NM_001286105.2); c.91A>C, p.Asn31His (NM_001286110.2); c.60+658A>C (NM_001286109.2); c.222+658A>C (NM_001286104.2); short protein forms N31H, N85H.
Identifiers: ClinVar variation 1371160 (VCV001371160.9), dbSNP rs996285915, ClinGen allele CA395346286.

ClinVar aggregate classification (germline): Uncertain significance. Review status: criteria provided, multiple submitters, no conflicts (2 of 4 stars). 2 submissions from 2 submitters: Uncertain significance (2). Last evaluated 2026-01-05.

Conditions:
Inborn genetic diseases. Identifiers: MedGen C0950123, MeSH D030342.
Neuronal ceroid lipofuscinosis. Also called: Neuronal Ceroid Lipofuscinoses. Identifiers: Orphanet 216, Orphanet 79263, MedGen C0027877, MONDO:0016295. Disease mechanism: loss of function.

Allele frequency attached by ClinVar (database versions not stated): gnomAD exomes below 0.00001; gnomAD 0.00001.

Submissions (2):

Labcorp Genetics (formerly Invitae), Labcorp
Classification: Uncertain significance for Neuronal ceroid lipofuscinosis. Last evaluated: 2026-01-05. Review status: criteria provided, single submitter. Criteria: Invitae Variant Classification Sherloc (09022015). Collection method: clinical testing. Allele origin: germline.
Comment: This sequence change replaces asparagine, which is neutral and polar, with histidine, which is basic and polar, at codon 85 of the CLN3 protein (p.Asn85His). This variant is not present in population databases (gnomAD no frequency). This variant has not been reported in the literature in individuals affected with CLN3-related conditions. ClinVar contains an entry for this variant (Variation ID: 1371160). Invitae Evidence Modeling of protein sequence and biophysical properties (such as structural, functional, and spatial information, amino acid conservation, physicochemical variation, residue mobility, and thermodynamic stability) indicates that this missense variant is not expected to disrupt CLN3 protein function with a negative predictive value of 80%. In summary, the available evidence is currently insufficient to determine the role of this variant in disease. Therefore, it has been classified as a Variant of Uncertain Significance.

Ambry Genetics
Classification: Uncertain significance for Inborn genetic diseases. Last evaluated: 2025-08-05. Review status: criteria provided, single submitter. Criteria: Ambry Variant Classification Scheme 2023. Collection method: clinical testing. Allele origin: germline.